The following is an entry in ClinVar:

NM_201384.3(PLEC):c.6346C>T (p.Arg2116Trp)

Gene: PLEC (plectin; minus strand). Cytogenetic location: 8q24.3.
Variant type: single nucleotide variant.
Coding change: c.6346C>T on transcript NM_201384.3 (MANE Select); coding-DNA position 6346, C replaced by T.
Protein change: p.Arg2116Trp; replaces arginine 2116 with tryptophan.
Molecular consequence: missense variant.
Genome position (GRCh38, 1-based): chr8:143,923,583, G>A on the plus strand (C>T on the coding strand, the complement: PLEC is on the minus strand). VCF-style: chr8-143923583-G-A. GRCh37 (hg19) VCF-style: chr8-144997751-G-A.
Other names: c.6427C>T, p.Arg2143Trp (NM_000445.5); c.6304C>T, p.Arg2102Trp (NM_201378.4); c.6280C>T, p.Arg2094Trp (NM_201379.3); c.6757C>T, p.Arg2253Trp (NM_201380.4); c.6250C>T, p.Arg2084Trp (NM_201381.3); c.6346C>T, p.Arg2116Trp (NM_201382.4); c.6358C>T, p.Arg2120Trp (NM_201383.3); short protein forms R2120W, R2102W, R2143W, R2094W, R2116W, R2253W, R2084W.
Identifiers: ClinVar variation 644193 (VCV000644193.8), dbSNP rs142322521, ClinGen allele CA4926030.

ClinVar aggregate classification (germline): Uncertain significance. Review status: criteria provided, multiple submitters, no conflicts (2 of 4 stars). 2 submissions from 2 submitters: Uncertain significance (2). Last evaluated 2025-04-28.

Conditions:
Epidermolysis bullosa simplex, Ogna type (EBS5A). Also called: Pidermolysis bullosa simplex 5A, Ogna type; EPIDERMOLYSIS BULLOSA SIMPLEX 5A, OGNA TYPE. Identifiers: Orphanet 79401, MedGen C0432317, MONDO:0007555, OMIM 131950.
Autosomal recessive limb-girdle muscular dystrophy type 2Q (LGMDR17). Also called: MUSCULAR DYSTROPHY, LIMB-GIRDLE, AUTOSOMAL RECESSIVE 17. Identifiers: Orphanet 254361, MedGen C3150989, MONDO:0013390, OMIM 613723.
Epidermolysis bullosa simplex with nail dystrophy (EBS5D). Identifiers: MedGen C4225309, MONDO:0014661, OMIM 616487.
Epidermolysis bullosa simplex 5B, with muscular dystrophy (EBS5B). Also called: Epidermolysis bullosa simplex with muscular dystrophy; EPIDERMOLYSIS BULLOSA SIMPLEX AND LIMB-GIRDLE MUSCULAR DYSTROPHY. Identifiers: Orphanet 257, MedGen C2931072, MONDO:0009181, OMIM 226670.
Epidermolysis bullosa simplex 5C, with pyloric atresia (EBS5C). Also called: PLEC-Related Epidermolysis Bullosa with Pyloric Atresia; Epidermolysis bullosa simplex with pyloric atresia; PLEC1-Related Epidermolysis Bullosa with Pyloric Atresia. Identifiers: Orphanet 158684, MedGen C2677349, MONDO:0012807, OMIM 612138.

Allele frequency attached by ClinVar (database versions not stated): gnomAD 0.00001; TOPMed 0.00002; gnomAD exomes 0.00003; ExAC 0.00004; 1000 Genomes Project 30x 0.00047; 1000 Genomes Project 0.00060.
gnomAD v4.1: 24 of 1,595,214 alleles (0.0015%); highest among the groups gnomAD compares: African/African-American, 0.004%; no homozygotes.

Submissions (2):

Labcorp Genetics (formerly Invitae), Labcorp
Classification: Uncertain significance for Autosomal recessive limb-girdle muscular dystrophy type 2Q; Epidermolysis bullosa simplex, Ogna type; Epidermolysis bullosa simplex with nail dystrophy; Epidermolysis bullosa simplex 5C, with pyloric atresia; Epidermolysis bullosa simplex 5B, with muscular dystrophy. Last evaluated: 2025-04-28. Review status: criteria provided, single submitter. Criteria: Invitae Variant Classification Sherloc (09022015). Collection method: clinical testing. Allele origin: germline.
Comment: This sequence change replaces arginine, which is basic and polar, with tryptophan, which is neutral and slightly polar, at codon 2143 of the PLEC protein (p.Arg2143Trp). This variant is present in population databases (rs142322521, gnomAD 0.01%). This variant has not been reported in the literature in individuals affected with PLEC-related conditions. ClinVar contains an entry for this variant (Variation ID: 644193). An algorithm developed to predict the effect of missense changes on protein structure and function (PolyPhen-2) suggests that this variant is likely to be tolerated. In summary, the available evidence is currently insufficient to determine the role of this variant in disease. Therefore, it has been classified as a Variant of Uncertain Significance.

Revvity Omics, Revvity
Classification: Uncertain significance. Last evaluated: 2021-10-06. Review status: criteria provided, single submitter. Criteria: ACMG Guidelines, 2015. Collection method: clinical testing. Allele origin: germline.